The following is an entry in ClinVar:

NM_001348716.2(KDM6B):c.4909-3dup

Gene: KDM6B (lysine demethylase 6B; plus strand). Cytogenetic location: 17p13.1.
Variant type: Duplication.
Coding change: c.4909-3dup on transcript NM_001348716.2 (MANE Select); 3 bases into the intron before coding-DNA position 4909, one base duplicated (C; older notation c.4909-3dupC).
Molecular consequence: intron variant. On other transcripts: frameshift variant (1).
Genome position (GRCh38, 1-based): chr17:7,853,495, C duplicated; the last of 6 consecutive C bases (chr17:7,853,490-7,853,495); duplicating any one gives the same sequence. VCF-style (leftmost placement, unchanged base first): chr17-7853489-T-TC. GRCh37 (hg19) VCF-style: chr17-7756807-T-TC.
Other names: c.5023dup, p.Gln1675fs (NM_001080424.2); short protein forms Q1675fs.
Identifiers: ClinVar variation 986292 (VCV000986292.4), dbSNP rs2078746727, ClinGen allele CA1139665168.

ClinVar aggregate classification (germline): Uncertain significance (1 of 4 stars; one submission).

Conditions:
Inborn genetic diseases. Identifiers: MedGen C0950123, MeSH D030342.

Submission:

Ambry Genetics
Classification: Uncertain significance for Inborn genetic diseases. Last evaluated: 2020-01-16. Review status: criteria provided, single submitter. Criteria: Ambry Variant Classification Scheme 2023. Collection method: clinical testing. Allele origin: germline.
Comment: The alteration results in an elongated protein: _x000D_ _x000D_ The c.5023dupC (p.Q1675Pfs*182) alteration, located in exon 22 (coding exon 19) of the KDM6B, results from a duplication of one nucleotide causing a translational frameshift with a predicted alternate stop codon. Frameshifts are typically deleterious in nature; however, this frameshift occurs at the 3' terminus of KDM6B, is not expected to trigger nonsense-mediated mRNA decay, and an altered mutant protein could still be expressed (Maquat, 2004). This alteration results in the elongation of the protein by 173 amino acids. The exact functional impact of these inserted amino acids is unknown at this time. The alteration is not observed in population databases: _x000D_ _x000D_ Based on data from the Genome Aggregation Database (gnomAD), the KDM6B c.5023dupC alteration was not observed, with coverage at this position. Based on insufficient or conflicting evidence, the clinical significance of this alteration remains unclear.